The following is an entry in ClinVar:

NM_004782.4(SNAP29):c.767G>A (p.Arg256Gln)

Gene: SNAP29 (synaptosome associated protein 29; plus strand). Cytogenetic location: 22q11.21.
Variant type: single nucleotide variant.
Coding change: c.767G>A on transcript NM_004782.4 (MANE Select); coding-DNA position 767, G replaced by A.
Protein change: p.Arg256Gln; replaces arginine 256 with glutamine.
Molecular consequence: missense variant.
Genome position (GRCh38, 1-based): chr22:20,887,826, G>A. VCF-style: chr22-20887826-G-A. GRCh37 (hg19) VCF-style: chr22-21242114-G-A.
Other names: short protein forms R256Q.
Identifiers: ClinVar variation 2104393 (VCV002104393.4), dbSNP rs754317117, ClinGen allele CA10117234.
Genomic context (GRCh38, chr22:20,887,826, plus strand): 5'-GGCTGACAACCAAAGTGGACAAGTTAGATGTCAACATAAAAAGCACAGAAAGAAAAGTTC[G>A]ACAACTCTGAAGACAGACGGATTTCCACTCTATTGTGATGAAAAGATTTGAAAGATCTTT-3'
Protein context (NP_004773.1, residues 246-258): VNIKSTERKV[Arg256Gln]QL

ClinVar aggregate classification (germline): Uncertain significance (1 of 4 stars; one submission).

Allele frequency attached by ClinVar (database versions not stated): TOPMed below 0.00001; ExAC 0.00001; gnomAD 0.00001; gnomAD exomes 0.00001.
gnomAD v4.1: 10 of 1,613,898 alleles (0.00062%); highest among the groups gnomAD compares: South Asian, 0.0022%; no homozygotes.

Submission:

Labcorp Genetics (formerly Invitae), Labcorp
Classification: Uncertain significance. Last evaluated: 2022-08-13. Review status: criteria provided, single submitter. Criteria: Invitae Variant Classification Sherloc (09022015). Collection method: clinical testing. Allele origin: germline.
Comment: In summary, the available evidence is currently insufficient to determine the role of this variant in disease. Therefore, it has been classified as a Variant of Uncertain Significance. Algorithms developed to predict the effect of missense changes on protein structure and function (SIFT, PolyPhen-2, Align-GVGD) all suggest that this variant is likely to be tolerated. This variant has not been reported in the literature in individuals affected with SNAP29-related conditions. This variant is present in population databases (rs754317117, gnomAD 0.003%). This sequence change replaces arginine, which is basic and polar, with glutamine, which is neutral and polar, at codon 256 of the SNAP29 protein (p.Arg256Gln).